The following is an entry in ClinVar:

NM_000631.5(NCF4):c.758+99_758+101delinsC

Gene: NCF4 (neutrophil cytosolic factor 4; plus strand). Cytogenetic location: 22q12.3.
Variant type: Indel.
Coding change: c.758+99_758+101delinsC on transcript NM_000631.5 (MANE Select); bases 99 to 101 of the intron after coding-DNA position 758, AAG replaced by C.
Molecular consequence: intron variant. On other transcripts: frameshift variant (2).
Genome position (GRCh38, 1-based): chr22:36,875,882-36,875,884, AAG replaced by C. VCF-style: chr22-36875882-AAG-C. GRCh37 (hg19) VCF-style: chr22-37271924-AAG-C.
Other names: c.857_859delAAGinsC, p.Lys286Thrfs (NM_013416.3); c.857_859delinsC, p.Lys286fs (NM_013416.4); short protein forms K286fs.
Identifiers: ClinVar variation 2429240 (VCV002429240.3), dbSNP rs2517929253, ClinGen allele CA2580099737.
Genomic context (GRCh38, chr22:36,875,882, plus strand): 5'-TGCCATCCCTACGACCACTGCCCCTCACATCACCTTCTCATGGGTCCCTCTCCCACTCCA[AAG>C]CCCCCAGTGGCTCCCAGATGAGCCACAATGCTGTAACAAGCCATCAACGTCCAGGGTGGC-3'

ClinVar aggregate classification (germline): Uncertain significance (1 of 4 stars; one submission).

Submission:

Women's Health and Genetics/Laboratory Corporation of America, LabCorp
Classification: Uncertain significance. Last evaluated: 2023-01-20. Review status: criteria provided, single submitter. Criteria: LabCorp Variant Classification Summary - May 2015. Collection method: clinical testing. Allele origin: germline.
Comment: Variant summary: NCF4 c.857_859delinsC (p.Lys286ThrfsX38) results in a premature termination codon within the last coding exon of the protein and although it is predicted to disrupt the PB1 domain (IPR000270) of the encoded protein, it is not expected to undergo nonsense mediated decay. The variant allele was found at a frequency of 1.2e-05 in 251482 control chromosomes (gnomAD). To our knowledge, no occurrence of c.857_859delinsC in individuals affected with Chronic Granulomatous Disease and no experimental evidence demonstrating its impact on protein function have been reported. However, no pathogenic variants have been reported downstream of this variant within the ClinVar and HGMD databases. No clinical diagnostic laboratories have submitted clinical-significance assessments for this variant to ClinVar after 2014. Based on the evidence outlined above, the variant was classified as uncertain significance.